The following is an entry in ClinVar:

ClinVar aggregate classification (germline): Likely benign (1 of 4 stars; one submission).

Submission:

CeGaT Center for Human Genetics Tuebingen
Classification: Likely benign. Last evaluated: 2026-04-01. Review status: criteria provided, single submitter. Criteria: CeGaT Center For Human Genetics Tuebingen Variant Classification Criteria Version 2. Collection method: clinical testing. Allele origin: germline. Affected: yes. Observed: 1 variant allele.
Comment: CUL4B: BP4

NM_001079872.2(CUL4B):c.672+4T>G

Gene: CUL4B (cullin 4B; minus strand). Cytogenetic location: Xq24.
Variant type: single nucleotide variant.
Coding change: c.672+4T>G on transcript NM_001079872.2 (MANE Select); 4 bases into the intron after coding-DNA position 672, T replaced by G.
Molecular consequence: intron variant.
Genome position (GRCh38, 1-based): chrX:120,557,920, A>C on the plus strand (T>G on the coding strand, the complement: CUL4B is on the minus strand). VCF-style: chrX-120557920-A-C. GRCh37 (hg19) VCF-style: chrX-119691775-A-C.
Other names: c.726+4T>G (NM_003588.4); c.687+4T>G (NM_001330624.2); c.138+4T>G (NM_001369145.1).
Identifiers: ClinVar variation 4874762 (VCV004874762.2).